The following is an entry in ClinVar:

NM_001330078.2(NRXN1):c.3244+129C>A

Gene: NRXN1 (neurexin 1; minus strand). Cytogenetic location: 2p16.3.
Variant type: single nucleotide variant.
Coding change: c.3244+129C>A on transcript NM_001330078.2 (MANE Select); 129 bases into the intron after coding-DNA position 3244, C replaced by A.
Molecular consequence: intron variant.
Genome position (GRCh38, 1-based): chr2:50,472,169, G>T on the plus strand (C>A on the coding strand, the complement: NRXN1 is on the minus strand). VCF-style: chr2-50472169-G-T. GRCh37 (hg19) VCF-style: chr2-50699307-G-T.
Other names: c.3133+129C>A (NM_001330096.2, NM_001330087.2); c.3178+129C>A (NM_001330083.2, NM_001330084.2); c.3163+129C>A (NM_001330088.2); c.3241+129C>A (NM_001330093.2); c.3232+129C>A (NM_001330094.2); c.3193+129C>A (NM_001330095.2); c.3220+129C>A (NM_001330082.2, NM_001330077.2); c.3217+129C>A (NM_001330085.2); and 2 more.
Identifiers: ClinVar variation 672544 (VCV000672544.2), dbSNP rs59507529, ClinGen allele CA47329577.

ClinVar aggregate classification (germline): Benign. Review status: criteria provided, multiple submitters, no conflicts (2 of 4 stars). 2 submissions from 2 submitters: Benign (2). Last evaluated 2018-06-19.

Allele frequency attached by ClinVar (database versions not stated): 1000 Genomes Project 0.02616; 1000 Genomes Project 30x 0.02686; gnomAD 0.02748 and 0.02755; TOPMed 0.02803.
gnomAD v4.1: 14,331 of 670,738 alleles (2.1%); highest among the groups gnomAD compares: African/African-American, 5.4%; 234 homozygotes.

Submissions (2):

GeneDx
Classification: Benign. Last evaluated: 2018-06-19. Review status: criteria provided, single submitter. Criteria: GeneDx Variant Classification (06012015). Collection method: clinical testing. Allele origin: germline. Affected: yes.
Comment: This variant is considered likely benign or benign based on one or more of the following criteria: it is a conservative change, it occurs at a poorly conserved position in the protein, it is predicted to be benign by multiple in silico algorithms, and/or has population frequency not consistent with disease.

Breakthrough Genomics
Classification: Benign. Review status: criteria provided, single submitter. Criteria: ACMG Guidelines, 2015. Collection method: not provided. Allele origin: germline. Inheritance: Autosomal recessive inheritance. Affected: yes.